The following is an entry in ClinVar:

NM_138576.4(BCL11B):c.2033G>A (p.Ser678Asn)

Gene: BCL11B (BCL11 transcription factor B; minus strand). Cytogenetic location: 14q32.2.
Variant type: single nucleotide variant.
Coding change: c.2033G>A on transcript NM_138576.4 (MANE Select); coding-DNA position 2033, G replaced by A.
Protein change: p.Ser678Asn; replaces serine 678 with asparagine.
Molecular consequence: missense variant.
Genome position (GRCh38, 1-based): chr14:99,174,803, C>T on the plus strand (G>A on the coding strand, the complement: BCL11B is on the minus strand). VCF-style: chr14-99174803-C-T. GRCh37 (hg19) VCF-style: chr14-99641140-C-T.
Other names: c.2030G>A, p.Ser677Asn (NM_001282237.2); c.1817G>A, p.Ser606Asn (NM_001282238.2); c.1820G>A, p.Ser607Asn (NM_022898.3); short protein forms S607N, S678N, S606N, S677N.
Identifiers: ClinVar variation 4772558 (VCV004772558.1).

ClinVar aggregate classification (germline): Uncertain significance (1 of 4 stars; one submission).

Submission:

Labcorp Genetics (formerly Invitae), Labcorp
Classification: Uncertain significance. Last evaluated: 2025-04-17. Review status: criteria provided, single submitter. Criteria: Invitae Variant Classification Sherloc (09022015). Collection method: clinical testing. Allele origin: germline.
Comment: This sequence change replaces serine, which is neutral and polar, with asparagine, which is neutral and polar, at codon 678 of the BCL11B protein (p.Ser678Asn). This variant is not present in population databases (gnomAD no frequency). This variant has not been reported in the literature in individuals affected with BCL11B-related conditions. Invitae Evidence Modeling of protein sequence and biophysical properties (such as structural, functional, and spatial information, amino acid conservation, physicochemical variation, residue mobility, and thermodynamic stability) has been performed for this missense variant. However, the output from this modeling did not meet the statistical confidence thresholds required to predict the impact of this variant on BCL11B protein function. In summary, the available evidence is currently insufficient to determine the role of this variant in disease. Therefore, it has been classified as a Variant of Uncertain Significance.